The following is an entry in ClinVar:

NM_004281.4(BAG3):c.1187C>T (p.Ala396Val)

Gene: BAG3 (BAG cochaperone 3; plus strand). Cytogenetic location: 10q26.11.
Variant type: single nucleotide variant.
Coding change: c.1187C>T on transcript NM_004281.4 (MANE Select); coding-DNA position 1187, C replaced by T.
Protein change: p.Ala396Val; replaces alanine 396 with valine.
Molecular consequence: missense variant.
Genome position (GRCh38, 1-based): chr10:119,676,741, C>T. VCF-style: chr10-119676741-C-T. GRCh37 (hg19) VCF-style: chr10-121436253-C-T.
Other names: short protein forms A396V.
Identifiers: ClinVar variation 1051886 (VCV001051886.9), dbSNP rs769416305, ClinGen allele CA5716507.
Genomic context (GRCh38, chr10:119,676,741, plus strand): 5'-CCAGCCCTGGCCCTTCTGCTGTCCCCTCTTCCCCCAAGAGTGTGGCTACAGAAGAGAGGG[C>T]AGCCCCCAGCACTGCCCCTGCAGAAGCTACACCTCCAAAACCAGGAGAAGCCGAGGCTCC-3'
Protein context (NP_004272.2, residues 386-406): SPKSVATEER[Ala396Val]APSTAPAEAT

ClinVar aggregate classification (germline): Uncertain significance (1 of 4 stars; one submission).

Conditions:
Dilated cardiomyopathy 1HH (CMD1HH). Identifiers: Orphanet 154, MedGen C3151293, MONDO:0013479, OMIM 613881.
Myofibrillar myopathy 6. Identifiers: Orphanet 199340, MedGen C2751831, MONDO:0013061, OMIM 612954.

Allele frequency attached by ClinVar (database versions not stated): ExAC 0.00001.
gnomAD v4.1: 3 of 1,614,122 alleles (0.00019%); highest among the groups gnomAD compares: Non-Finnish European, 0.00025%; no homozygotes.

Submission:

Labcorp Genetics (formerly Invitae), Labcorp
Classification: Uncertain significance for Dilated cardiomyopathy 1HH; Myofibrillar myopathy 6. Last evaluated: 2020-08-07. Review status: criteria provided, single submitter. Criteria: Invitae Variant Classification Sherloc (09022015). Collection method: clinical testing. Allele origin: germline.
Comment: In summary, the available evidence is currently insufficient to determine the role of this variant in disease. Therefore, it has been classified as a Variant of Uncertain Significance. Algorithms developed to predict the effect of sequence changes on RNA splicing suggest that this variant may create or strengthen a splice site, but this prediction has not been confirmed by published transcriptional studies. Algorithms developed to predict the effect of missense changes on protein structure and function output the following: SIFT: "Tolerated"; PolyPhen-2: "Not Available"; Align-GVGD: "Class C0". The valine amino acid residue is found in multiple mammalian species, suggesting that this missense change does not adversely affect protein function. These predictions have not been confirmed by published functional studies and their clinical significance is uncertain. This variant has not been reported in the literature in individuals with BAG3-related conditions. This variant is present in population databases (rs769416305, ExAC 0.002%). This sequence change replaces alanine with valine at codon 396 of the BAG3 protein (p.Ala396Val). The alanine residue is weakly conserved and there is a small physicochemical difference between alanine and valine.